The following is an entry in ClinVar:

NC_000001.10:g.(?_74797114)_(74808883_?)del

Genes: FPGT-TNNI3K (FPGT-TNNI3K readthrough; plus strand), TNNI3K (TNNI3 interacting kinase; plus strand). Cytogenetic location: 1p31.1.
Variant type: Deletion.
Identifiers: ClinVar variation 1513575 (VCV001513575.5).

ClinVar aggregate classification (germline): Uncertain significance (1 of 4 stars; one submission).

Submission:

Labcorp Genetics (formerly Invitae), Labcorp
Classification: Uncertain significance. Last evaluated: 2023-11-27. Review status: criteria provided, single submitter. Criteria: Invitae Variant Classification Sherloc (09022015). Collection method: clinical testing. Allele origin: germline.
Comment: This variant is a gross deletion of the genomic region encompassing exon(s) 6-9 of the TNNI3K gene. This deletion is out-of-frame, and is expected to create a premature translational stop signal and result in an absent or disrupted protein product. However, the current clinical and genetic evidence is not sufficient to establish whether loss-of-function variants in TNNI3K cause disease. This variant has not been reported in the literature in individuals affected with TNNI3K-related conditions. In summary, the available evidence is currently insufficient to determine the role of this variant in disease. Therefore, it has been classified as a Variant of Uncertain Significance.